The following is an entry in ClinVar:

NM_012418.4(FSCN2):c.257G>A (p.Arg86His)

Gene: FSCN2 (fascin actin-bundling protein 2, retinal; plus strand). Cytogenetic location: 17q25.3.
Variant type: single nucleotide variant.
Coding change: c.257G>A on transcript NM_012418.4 (MANE Select); coding-DNA position 257, G replaced by A.
Protein change: p.Arg86His; replaces arginine 86 with histidine.
Molecular consequence: missense variant.
Genome position (GRCh38, 1-based): chr17:81,528,788, G>A. VCF-style: chr17-81528788-G-A. GRCh37 (hg19) VCF-style: chr17-79495814-G-A.
Other names: c.257G>A, p.Arg86His (NM_001077182.3); c.257G>A (NM_001077182.2); short protein forms R86H.
Identifiers: ClinVar variation 2144318 (VCV002144318.7), dbSNP rs782411818, ClinGen allele CA8836627.
Genomic context (GRCh38, chr17:81,528,788, plus strand): 5'-GCCGCTACCTGTCGGCAGAAGAGGACGGGCGCGTGGCCTGTGAGGCAGAGCAGCCGGGCC[G>A]TGACTGCCGCTTCCTGGTCCTGCCGCAGCCAGATGGGCGCTGGGTGCTGCGGTCCGAGCC-3'
Protein context (NP_036550.1, residues 76-96): RVACEAEQPG[Arg86His]DCRFLVLPQP

ClinVar aggregate classification (germline): Uncertain significance. Review status: criteria provided, multiple submitters, no conflicts (2 of 4 stars). 2 submissions from 2 submitters: Uncertain significance (2). Last evaluated 2025-08-07.

Allele frequency attached by ClinVar (database versions not stated): TOPMed 0.00002; gnomAD 0.00004; ExAC 0.00014.
gnomAD v4.1: 48 of 1,566,714 alleles (0.0031%); highest among the groups gnomAD compares: Middle Eastern, 0.051%; 1 homozygote.

Submissions (2):

Ambry Genetics
Classification: Uncertain significance. Last evaluated: 2025-08-07. Review status: criteria provided, single submitter. Criteria: Ambry Variant Classification Scheme 2023. Collection method: clinical testing. Allele origin: germline.

Labcorp Genetics (formerly Invitae), Labcorp
Classification: Uncertain significance. Last evaluated: 2025-07-23. Review status: criteria provided, single submitter. Criteria: Invitae Variant Classification Sherloc (09022015). Collection method: clinical testing. Allele origin: germline.
Comment: This sequence change replaces arginine, which is basic and polar, with histidine, which is basic and polar, at codon 86 of the FSCN2 protein (p.Arg86His). The frequency data for this variant in the population databases is considered unreliable, as metrics indicate poor data quality at this position in the gnomAD database. This variant has not been reported in the literature in individuals affected with FSCN2-related conditions. ClinVar contains an entry for this variant (Variation ID: 2144318). An algorithm developed to predict the effect of missense changes on protein structure and function (PolyPhen-2) suggests that this variant is likely to be tolerated. In summary, the available evidence is currently insufficient to determine the role of this variant in disease. Therefore, it has been classified as a Variant of Uncertain Significance.